The following is an entry in ClinVar:

ClinVar aggregate classification (germline): Likely benign. Review status: criteria provided, multiple submitters, no conflicts (2 of 4 stars). 2 submissions from 2 submitters: Likely benign (2). Last evaluated 2025-09-21.

Conditions:
FAT4-related disorder. Also called: FAT4-related condition.

Allele frequency attached by ClinVar (database versions not stated): gnomAD exomes 0.00001.
gnomAD v4.1: 3 of 1,613,182 alleles (0.00019%); highest among the groups gnomAD compares: Non-Finnish European, 0.00025%; no homozygotes.

Submissions (2):

Labcorp Genetics (formerly Invitae), Labcorp
Classification: Likely benign. Last evaluated: 2025-09-21. Review status: criteria provided, single submitter. Criteria: Invitae Variant Classification Sherloc (09022015). Collection method: clinical testing. Allele origin: germline.

PreventionGenetics, part of Exact Sciences
Classification: Likely benign for FAT4-related condition. Last evaluated: 2025-03-30. Review status: criteria provided, single submitter. Criteria: ACMG Guidelines, 2015. Collection method: clinical testing. Allele origin: germline.
Comment: This variant is classified as likely benign based on ACMG/AMP sequence variant interpretation guidelines (Richards et al. 2015 PMID: 25741868, with internal and published modifications).

NM_001291303.3(FAT4):c.6849G>T (p.Val2283=)

Gene: FAT4 (FAT atypical cadherin 4; plus strand). Cytogenetic location: 4q28.1.
Variant type: single nucleotide variant.
Coding change: c.6849G>T on transcript NM_001291303.3 (MANE Select); coding-DNA position 6849, G replaced by T.
Protein change: p.Val2283=; no amino-acid change (valine 2283 retained).
Molecular consequence: synonymous variant.
Genome position (GRCh38, 1-based): chr4:125,416,453, G>T. VCF-style: chr4-125416453-G-T. GRCh37 (hg19) VCF-style: chr4-126337608-G-T.
Other names: c.6849G>T, p.Val2283= (NM_001291285.3, NM_024582.6); c.6849G>T (NM_024582.4).
Identifiers: ClinVar variation 1659175 (VCV001659175.5), dbSNP rs943662980, ClinGen allele CA104855090.